The following is an entry in ClinVar:

NM_001294.4(CLPTM1):c.654G>A (p.Ala218=)

Gene: CLPTM1 (CLPTM1 regulator of GABA type A receptor forward trafficking; plus strand). Cytogenetic location: 19q13.32.
Variant type: single nucleotide variant.
Coding change: c.654G>A on transcript NM_001294.4 (MANE Select); coding-DNA position 654, G replaced by A.
Protein change: p.Ala218=; no amino-acid change (alanine 218 retained).
Molecular consequence: synonymous variant.
Genome position (GRCh38, 1-based): chr19:44,985,285, G>A. VCF-style: chr19-44985285-G-A. GRCh37 (hg19) VCF-style: chr19-45488543-G-A.
Other names: c.612G>A, p.Ala204= (NM_001282175.2); c.348G>A, p.Ala116= (NM_001282176.2).
Identifiers: ClinVar variation 3047527 (VCV003047527.2), dbSNP rs139922480, ClinGen allele CA9506902.

ClinVar aggregate classification (germline): Likely benign (0 of 4 stars; one submission).

Conditions:
CLPTM1-related disorder. Also called: CLPTM1-related condition.

Allele frequency attached by ClinVar (database versions not stated): 1000 Genomes Project 30x 0.00016; 1000 Genomes Project 0.00020; TOPMed 0.00036; gnomAD 0.00040; ESP Exome Variant Server 0.00046; ExAC 0.00048.
gnomAD v4.1: 690 of 1,612,986 alleles (0.043%); highest among the groups gnomAD compares: South Asian, 0.11%; 1 homozygote.

Submission:

PreventionGenetics, part of Exact Sciences
Classification: Likely benign for CLPTM1-related condition. Last evaluated: 2019-03-29. Review status: no assertion criteria provided. Collection method: clinical testing. Allele origin: germline.
Comment: This variant is classified as likely benign based on ACMG/AMP sequence variant interpretation guidelines (Richards et al. 2015 PMID: 25741868, with internal and published modifications).